The following is an entry in ClinVar:

ClinVar aggregate classification (germline): Likely benign (0 of 4 stars; one submission).

Conditions:
HIVEP1-related disorder. Also called: HIVEP1-related condition.

Allele frequency attached by ClinVar (database versions not stated): ExAC 0.00103; ESP Exome Variant Server 0.00120; gnomAD 0.00131; gnomAD exomes 0.00189; 1000 Genomes Project 0.00200; 1000 Genomes Project 30x 0.00250.
gnomAD v4.1: 2,978 of 1,614,068 alleles (0.18%); highest among the groups gnomAD compares: Non-Finnish European, 0.23%; 4 homozygotes.

Submission:

PreventionGenetics, part of Exact Sciences
Classification: Likely benign for HIVEP1-related condition. Last evaluated: 2022-05-17. Review status: no assertion criteria provided. Collection method: clinical testing. Allele origin: germline.
Comment: This variant is classified as likely benign based on ACMG/AMP sequence variant interpretation guidelines (Richards et al. 2015 PMID: 25741868, with internal and published modifications).

NM_002114.4(HIVEP1):c.7687G>A (p.Val2563Ile)

Gene: HIVEP1 (HIVEP zinc finger 1; plus strand). Cytogenetic location: 6p24.1.
Variant type: single nucleotide variant.
Coding change: c.7687G>A on transcript NM_002114.4 (MANE Select); coding-DNA position 7687, G replaced by A.
Protein change: p.Val2563Ile; replaces valine 2563 with isoleucine.
Molecular consequence: missense variant.
Genome position (GRCh38, 1-based): chr6:12,163,991, G>A. VCF-style: chr6-12163991-G-A. GRCh37 (hg19) VCF-style: chr6-12164224-G-A.
Other names: short protein forms V2563I.
Identifiers: ClinVar variation 3043934 (VCV003043934.2), dbSNP rs138251849, ClinGen allele CA3638445.